The following is an entry in ClinVar:

ClinVar aggregate classification (germline): Uncertain significance (1 of 4 stars; one submission).

Conditions:
Infantile-onset X-linked spinal muscular atrophy. Also called: Spinal Muscular Atrophy, X-Linked Infantile; Spinal muscular atrophy, X-linked 2; SPINAL MUSCULAR ATROPHY, X-LINKED LETHAL INFANTILE; AMC, DISTAL, X-LINKED; ARTHROGRYPOSIS, X-LINKED, TYPE I. Identifiers: Orphanet 1145, MedGen C1844934, MONDO:0010532, OMIM 301830.

Allele frequency attached by ClinVar (database versions not stated): gnomAD exomes 0.00001.
gnomAD v4.1: 1 of 1,205,057 alleles (0.000083%); highest among the groups gnomAD compares: Admixed American, 0.0022%; no homozygotes.

Submission:

Labcorp Genetics (formerly Invitae), Labcorp
Classification: Uncertain significance for Infantile-onset X-linked spinal muscular atrophy. Last evaluated: 2022-10-17. Review status: criteria provided, single submitter. Criteria: Invitae Variant Classification Sherloc (09022015). Collection method: clinical testing. Allele origin: germline.
Comment: This sequence change replaces isoleucine, which is neutral and non-polar, with methionine, which is neutral and non-polar, at codon 543 of the UBA1 protein (p.Ile543Met). This variant is present in population databases (no rsID available, gnomAD 0.004%). This variant has not been reported in the literature in individuals affected with UBA1-related conditions. ClinVar contains an entry for this variant (Variation ID: 1386383). Algorithms developed to predict the effect of missense changes on protein structure and function output the following: SIFT: "Deleterious"; PolyPhen-2: "Benign"; Align-GVGD: "Class C0". The methionine amino acid residue is found in multiple mammalian species, which suggests that this missense change does not adversely affect protein function. In summary, the available evidence is currently insufficient to determine the role of this variant in disease. Therefore, it has been classified as a Variant of Uncertain Significance.

NM_003334.4(UBA1):c.1629C>G (p.Ile543Met)

Gene: UBA1 (ubiquitin like modifier activating enzyme 1; plus strand). Cytogenetic location: Xp11.3.
Variant type: single nucleotide variant.
Coding change: c.1629C>G on transcript NM_003334.4 (MANE Select); coding-DNA position 1629, C replaced by G.
Protein change: p.Ile543Met; replaces isoleucine 543 with methionine.
Molecular consequence: missense variant.
Genome position (GRCh38, 1-based): chrX:47,206,001, C>G. VCF-style: chrX-47206001-C-G. GRCh37 (hg19) VCF-style: chrX-47065400-C-G.
Other names: c.1629C>G, p.Ile543Met (NM_153280.3); short protein forms I543M.
Identifiers: ClinVar variation 1386383 (VCV001386383.6), dbSNP rs1556790800, ClinGen allele CA412801350.